The following is an entry in ClinVar:

NM_024496.4(IRF2BPL):c.182A>C (p.His61Pro)

Genes: IRF2BPL (interferon regulatory factor 2 binding protein like; minus strand), LOC107984638 (uncharacterized LOC107984638; plus strand). Cytogenetic location: 14q24.3.
Variant type: single nucleotide variant.
Coding change: c.182A>C on transcript NM_024496.4 (MANE Select); coding-DNA position 182, A replaced by C.
Protein change: p.His61Pro; replaces histidine 61 with proline.
Molecular consequence: missense variant. On other transcripts: non-coding transcript variant (3).
Genome position (GRCh38, 1-based): chr14:77,027,611, T>G on the plus strand (A>C on the coding strand, the complement: IRF2BPL is on the minus strand). VCF-style: chr14-77027611-T-G. GRCh37 (hg19) VCF-style: chr14-77493954-T-G.
Other names: short protein forms H61P.
Identifiers: ClinVar variation 5002856 (VCV005002856.1).

ClinVar aggregate classification (germline): Uncertain significance (1 of 4 stars; one submission).

Submission:

OLLIN Analises Genomicas, OLLIN
Classification: Uncertain significance. Last evaluated: 2026-08-06. Review status: criteria provided, single submitter. Criteria: ACMG Guidelines 2015 PMID 25741868. Collection method: clinical testing. Allele origin: germline.
Comment: This missense variant, located in exon 1 (of 1), is absent from gnomAD and ClinVar and has not been identified in the literature. In silico analysis is inconclusive regarding the impact of this variant. According to the currently available evidence, this variant has been classified as uncertain significance (PM2_P).